The following is an entry in ClinVar:

NM_003480.4(MFAP5):c.451C>T (p.Leu151Phe)

Genes: MFAP5 (microfibril associated protein 5; minus strand), LOC126861443 (BRD4-independent group 4 enhancer GRCh37_chr12:8800473-8801672; plus strand). Cytogenetic location: 12p13.31.
Variant type: single nucleotide variant.
Coding change: c.451C>T on transcript NM_003480.4 (MANE Select); coding-DNA position 451, C replaced by T.
Protein change: p.Leu151Phe; replaces leucine 151 with phenylalanine.
Molecular consequence: missense variant. On other transcripts: non-coding transcript variant (2).
Genome position (GRCh38, 1-based): chr12:8,648,162, G>A on the plus strand (C>T on the coding strand, the complement: MFAP5 is on the minus strand). VCF-style: chr12-8648162-G-A. GRCh37 (hg19) VCF-style: chr12-8800758-G-A.
Other names: c.421C>T, p.Leu141Phe (NM_001297709.2); c.385C>T, p.Leu129Phe (NM_001297710.2); c.376C>T, p.Leu126Phe (NM_001297711.2); c.259C>T, p.Leu87Phe (NM_001297712.2); short protein forms L87F, L129F, L126F, L141F, L151F.
Identifiers: ClinVar variation 1741191 (VCV001741191.2), dbSNP rs2540282758, ClinGen allele CA384038718.

ClinVar aggregate classification (germline): Uncertain significance (1 of 4 stars; one submission).

Conditions:
Cardiovascular phenotype. Identifiers: MedGen CN230736.

Allele frequency attached by ClinVar (database versions not stated): gnomAD exomes below 0.00001.

Submission:

Ambry Genetics
Classification: Uncertain significance for Cardiovascular phenotype. Last evaluated: 2021-11-28. Review status: criteria provided, single submitter. Criteria: Ambry Variant Classification Scheme 2023. Collection method: clinical testing. Allele origin: germline.
Comment: The p.L151F variant (also known as c.451C>T), located in coding exon 9 of the MFAP5 gene, results from a C to T substitution at nucleotide position 451. The leucine at codon 151 is replaced by phenylalanine, an amino acid with highly similar properties. This amino acid position is conserved. In addition, the in silico prediction for this alteration is inconclusive. Since supporting evidence is limited at this time, the clinical significance of this alteration remains unclear.